The following is an entry in ClinVar:

ClinVar aggregate classification (germline): Uncertain significance. Review status: criteria provided, multiple submitters, no conflicts (2 of 4 stars). 2 submissions from 2 submitters: Uncertain significance (2). Last evaluated 2025-05-23.

Conditions:
Inborn genetic diseases. Identifiers: MedGen C0950123, MeSH D030342.
Multiple gastrointestinal atresias. Also called: Multiple intestinal atresia; FAMILIAL INTESTINAL POLYATRESIA SYNDROME. Identifiers: Orphanet 2300, MedGen C0220744, MONDO:0009465.

Allele frequency attached by ClinVar (database versions not stated): gnomAD exomes 0.00001; TOPMed 0.00001.
gnomAD v4.1: 3 of 1,614,064 alleles (0.00019%); highest among the groups gnomAD compares: Admixed American, 0.005%; no homozygotes.

Submissions (2):

Ambry Genetics
Classification: Uncertain significance for Inborn genetic diseases. Last evaluated: 2025-05-23. Review status: criteria provided, single submitter. Criteria: Ambry Variant Classification Scheme 2023. Collection method: clinical testing. Allele origin: germline.

Labcorp Genetics (formerly Invitae), Labcorp
Classification: Uncertain significance for Multiple gastrointestinal atresias. Last evaluated: 2022-07-05. Review status: criteria provided, single submitter. Criteria: Invitae Variant Classification Sherloc (09022015). Collection method: clinical testing. Allele origin: germline.
Comment: This sequence change replaces histidine, which is basic and polar, with arginine, which is basic and polar, at codon 112 of the TTC7A protein (p.His112Arg). This variant is not present in population databases (gnomAD no frequency). This variant has not been reported in the literature in individuals affected with TTC7A-related conditions. ClinVar contains an entry for this variant (Variation ID: 947400). Algorithms developed to predict the effect of missense changes on protein structure and function output the following: SIFT: "Tolerated"; PolyPhen-2: "Benign"; Align-GVGD: "Class C0". The arginine amino acid residue is found in multiple mammalian species, which suggests that this missense change does not adversely affect protein function. In summary, the available evidence is currently insufficient to determine the role of this variant in disease. Therefore, it has been classified as a Variant of Uncertain Significance.

NM_020458.4(TTC7A):c.335A>G (p.His112Arg)

Gene: TTC7A (tetratricopeptide repeat domain 7A; plus strand). Cytogenetic location: 2p21.
Variant type: single nucleotide variant.
Coding change: c.335A>G on transcript NM_020458.4 (MANE Select); coding-DNA position 335, A replaced by G.
Protein change: p.His112Arg; replaces histidine 112 with arginine.
Molecular consequence: missense variant. On other transcripts: 5 prime UTR variant (1).
Genome position (GRCh38, 1-based): chr2:46,950,513, A>G. VCF-style: chr2-46950513-A-G. GRCh37 (hg19) VCF-style: chr2-47177652-A-G.
Other names: c.335A>G, p.His112Arg (NM_001288951.2); c.233A>G, p.His78Arg (NM_001288953.2); c.-570A>G (NM_001288955.2); c.335A>G (NM_020458.2); short protein forms H112R, H78R.
Identifiers: ClinVar variation 947400 (VCV000947400.9), dbSNP rs1671312601, ClinGen allele CA346717883.